The following is an entry in ClinVar:

NM_018451.5(CPAP):c.3398_3399del (p.Leu1133fs)

Genes: CPAP (centrosome assembly and centriole elongation protein; minus strand), RNF17 (ring finger protein 17; plus strand). Cytogenetic location: 13q12.12.
Variant type: Deletion.
Coding change: c.3398_3399del on transcript NM_018451.5 (MANE Select); coding-DNA positions 3398 to 3399, 2 bases deleted (TG; older notation c.3398_3399delTG).
Protein change: p.Leu1133fs; shifts the reading frame from leucine 1133.
Molecular consequence: frameshift variant. On other transcripts: non-coding transcript variant (2).
Genome position (GRCh38, 1-based): chr13:24,885,354-24,885,355, CA deleted on the plus strand (TG on the coding strand, the reverse complement: CPAP is on the minus strand). VCF-style (leftmost placement, unchanged base first): chr13-24885353-TCA-T. GRCh37 (hg19) VCF-style: chr13-25459491-TCA-T.
Other names: c.3398_3399delTG (NM_018451.5); short protein forms L1133fs.
Identifiers: ClinVar variation 4688175 (VCV004688175.1).
Genomic context (GRCh38, chr13:24,885,353, plus strand): 5'-TGATTTCTCCCTGTATGTCTTGGTCTTCCTCCTCCTCTTTATATTCAGGATCTGGGAAGT[TCA>T]GTGGTTCAAGTGGCTCCCTGGGAGAGGCAGCCTGTAAGCACAACACATTTCAAGCAGCTA-3'

ClinVar aggregate classification (germline): Pathogenic (1 of 4 stars; one submission).

Conditions:
Microcephaly 6, primary, autosomal recessive. Identifiers: Orphanet 2512, MedGen C1842109, MONDO:0012029, OMIM 608393.

Submission:

Women's Health and Genetics/Laboratory Corporation of America, LabCorp
Classification: Pathogenic for Microcephaly 6, primary, autosomal recessive. Last evaluated: 2025-10-03. Review status: criteria provided, single submitter. Criteria: LabCorp Variant Classification Summary - May 2015. Collection method: clinical testing. Allele origin: germline.
Comment: Variant summary: CPAP c.3398_3399delTG (p.Leu1133GlnfsX6) results in a premature termination codon, predicted to cause absence of the protein due to nonsense mediated decay, which is a commonly known mechanism for disease. The variant was absent in 251476 control chromosomes. To our knowledge, no occurrence of c.3398_3399delTG in individuals affected with CPAP-related conditions and no experimental evidence demonstrating its impact on protein function have been reported. No submitters have cited clinical-significance assessments for this variant to ClinVar. Based on the evidence outlined above, the variant was classified as pathogenic.